The following is an entry in ClinVar:

ClinVar aggregate classification (germline): Uncertain significance. Review status: criteria provided, single submitter (1 of 4 stars). 2 submissions from 2 submitters: Uncertain significance (1). 1 of the submissions does not count toward it. Last evaluated 2022-05-08.

Conditions:
Orofacial cleft 8. Also called: Cleft lip with or without cleft palate, nonsyndromic, 8. Identifiers: MedGen C1851878, MONDO:0029145, OMIM 618149.
Ectrodactyly, ectodermal dysplasia, and cleft lip-palate syndrome 3. Also called: Ectrodactyly, Ectodermal Dysplasia, Clefting Syndrome; Ectrodactyly, Ectodermal Dysplasia, Clefting Syndrome Type 3 (EEC3); EEC SYNDROME 3; Ectrodactyly, Ectodermal Dysplasia, Cleft Lip/Palate Syndrome 3 (EEC3). Identifiers: Orphanet 1896, MedGen C1858562, MONDO:0011428, OMIM 604292.

Submissions (2):

Servicio Canario de Salud, Hospital Universitario Nuestra Sra. de Candelaria
Classification: Uncertain significance for Ectrodactyly, ectodermal dysplasia, and cleft lip-palate syndrome 3. Last evaluated: 2022-05-08. Review status: criteria provided, single submitter. Criteria: ACMG Guidelines, 2015. Collection method: clinical testing. Allele origin: germline. Inheritance: Autosomal dominant inheritance. Affected: yes. Observed: 1 heterozygote.
Comment: It has been previously reported in non-syndromic cleft lip (PMID 16740912). This variant is not present in population databases (gnomAD no frequency). ClinVar contains an entry for this variant (Variation ID: 6547). In silico analysis (CADD, Mutation Taster, SIFT, PolyPhen2) supports that this missense variant has a deleterious effect on protein structure/function. To date there are no functional/experimental studies that evaluate the impact on protein. In summary, c.1054A>G (p.Arg352Gly) TP63 variant meets our criteria to be classified as Variant of Uncertain Significance-Probably Pathogenic based upon its absence from controls, computational evidence of pathogenicity and and the clinical correlation in this family´s phenotype.

OMIM
Classification: Pathogenic for OROFACIAL CLEFT 8. Last evaluated: 2006-06-01. Review status: no assertion criteria provided. Collection method: literature only. Allele origin: germline. Not counted in ClinVar's aggregate classification.

Literature cited by the submitters: PubMed 16740912 (cited by Servicio Canario de Salud, Hospital Universitario Nuestra Sra. de Candelaria and OMIM).

NM_003722.5(TP63):c.1054A>G (p.Arg352Gly)

Gene: TP63 (tumor protein p63; plus strand). Cytogenetic location: 3q28.
Variant type: single nucleotide variant.
Coding change: c.1054A>G on transcript NM_003722.5 (MANE Select); coding-DNA position 1054, A replaced by G.
Protein change: p.Arg352Gly; replaces arginine 352 with glycine.
Molecular consequence: missense variant.
Genome position (GRCh38, 1-based): chr3:189,868,641, A>G. VCF-style: chr3-189868641-A-G. GRCh37 (hg19) VCF-style: chr3-189586430-A-G.
Other names: R313G; c.1054A>G, p.Arg352Gly (NM_001114978.2, NM_001114979.2, NM_001329144.2 and 1 more transcripts); c.772A>G, p.Arg258Gly (NM_001114980.2, NM_001114981.2, NM_001114982.2 and 2 more transcripts); c.517A>G, p.Arg173Gly (NM_001329146.2, NM_001329150.2); c.1048A>G, p.Arg350Gly (NM_001329964.2); short protein forms R352G, R173G, R258G, R350G.
Identifiers: ClinVar variation 6547 (VCV000006547.5), dbSNP rs121908847, ClinGen allele CA118344.